The following is an entry in ClinVar:

ClinVar aggregate classification (germline): Pathogenic (1 of 4 stars; one submission).

Conditions:
Mitochondrial hypertrophic cardiomyopathy with lactic acidosis due to MTO1 deficiency. Also called: CARDIOMYOPATHY, INFANTILE HYPERTROPHIC MITOCHONDRIAL, AND LACTIC ACIDOSIS; Combined oxidative phosphorylation deficiency 10. Identifiers: Orphanet 314637, MedGen C4749921, MONDO:0013865, OMIM 614702.

Submission:

Women's Health and Genetics/Laboratory Corporation of America, LabCorp
Classification: Pathogenic for Mitochondrial hypertrophic cardiomyopathy with lactic acidosis due to MTO1 deficiency. Last evaluated: 2023-12-07. Review status: criteria provided, single submitter. Criteria: LabCorp Variant Classification Summary - May 2015. Collection method: clinical testing. Allele origin: germline.
Comment: Variant summary: MTO1 c.1274delG (p.Gly425GlufsX23) results in a premature termination codon, predicted to cause a truncation of the encoded protein or absence of the protein due to nonsense mediated decay, which are commonly known mechanisms for disease. The variant allele was found at a frequency of 4e-06 in 251484 control chromosomes. To our knowledge, no occurrence of c.1274delG in individuals affected with Combined Oxidative Phosphorylation Deficiency 10 and no experimental evidence demonstrating its impact on protein function have been reported. No submitters have cited clinical-significance assessments for this variant to ClinVar after 2014. Based on the evidence outlined above, the variant was classified as pathogenic.

NM_012123.4(MTO1):c.1274del (p.Gly425fs)

Gene: MTO1 (mitochondrial tRNA translation optimization 1; plus strand). Cytogenetic location: 6q13.
Variant type: Deletion.
Coding change: c.1274del on transcript NM_012123.4 (MANE Select); coding-DNA position 1274, one base deleted (G; older notation c.1274delG).
Protein change: p.Gly425fs; shifts the reading frame from glycine 425.
Molecular consequence: frameshift variant.
Genome position (GRCh38, 1-based): chr6:73,482,053, G deleted; the last of 2 consecutive G bases (chr6:73,482,052-73,482,053); deleting either gives the same sequence. VCF-style (leftmost placement, unchanged base first): chr6-73482051-CG-C. GRCh37 (hg19) VCF-style: chr6-74191774-CG-C.
Other names: c.1394del, p.Gly465fs (NM_001123226.2); c.1349del, p.Gly450fs (NM_133645.3); c.1274delG (NM_012123.4); short protein forms G425fs, G450fs, G465fs.
Identifiers: ClinVar variation 2691508 (VCV002691508.1), dbSNP rs1561946879, ClinGen allele CA567685738.
Genomic context (GRCh38, chr6:73,482,051, plus strand): 5'-CGTTTGTTTAGTTCATAATGGCCTTTTAAACATTTCAGTGCTCTTGTAGGGTGTGATAGC[CG>C]GAATCAACGCCAGTCTTCGGGTCAGTCGCAAGCCTCCCTTTGTGGTTAGCCGAACAGAAG-3'